The following is an entry in ClinVar:

NM_000553.6(WRN):c.3481G>A (p.Val1161Ile)

Gene: WRN (WRN RecQ like helicase; plus strand). Cytogenetic location: 8p12.
Variant type: single nucleotide variant.
Coding change: c.3481G>A on transcript NM_000553.6 (MANE Select); coding-DNA position 3481, G replaced by A.
Protein change: p.Val1161Ile; replaces valine 1161 with isoleucine.
Molecular consequence: missense variant.
Genome position (GRCh38, 1-based): chr8:31,147,385, G>A. VCF-style: chr8-31147385-G-A. GRCh37 (hg19) VCF-style: chr8-31004901-G-A.
Other names: short protein forms V1161I.
Identifiers: ClinVar variation 2753385 (VCV002753385.3), dbSNP rs1398990822, ClinGen allele CA370925697.

ClinVar aggregate classification (germline): Uncertain significance (1 of 4 stars; one submission).

Conditions:
Werner syndrome (WRN). Identifiers: Orphanet 902, MedGen C0043119, MONDO:0010196, OMIM 277700.

Submission:

Labcorp Genetics (formerly Invitae), Labcorp
Classification: Uncertain significance for Werner syndrome. Last evaluated: 2023-08-17. Review status: criteria provided, single submitter. Criteria: Invitae Variant Classification Sherloc (09022015). Collection method: clinical testing. Allele origin: germline.
Comment: This sequence change replaces valine, which is neutral and non-polar, with isoleucine, which is neutral and non-polar, at codon 1161 of the WRN protein (p.Val1161Ile). This variant is not present in population databases (gnomAD no frequency). This variant has not been reported in the literature in individuals affected with WRN-related conditions. An algorithm developed to predict the effect of missense changes on protein structure and function (PolyPhen-2) suggests that this variant is likely to be disruptive. In summary, the available evidence is currently insufficient to determine the role of this variant in disease. Therefore, it has been classified as a Variant of Uncertain Significance.